The following is an entry in ClinVar:

NM_000632.4(ITGAM):c.2491G>T (p.Val831Leu)

Gene: ITGAM (integrin subunit alpha M; plus strand). Cytogenetic location: 16p11.2.
Variant type: single nucleotide variant.
Coding change: c.2491G>T on transcript NM_000632.4 (MANE Select); coding-DNA position 2491, G replaced by T.
Protein change: p.Val831Leu; replaces valine 831 with leucine.
Molecular consequence: missense variant.
Genome position (GRCh38, 1-based): chr16:31,325,390, G>T. VCF-style: chr16-31325390-G-T. GRCh37 (hg19) VCF-style: chr16-31336711-G-T.
Other names: c.2494G>T, p.Val832Leu (NM_001145808.2); short protein forms V832L, V831L.
Identifiers: ClinVar variation 2124073 (VCV002124073.4), dbSNP rs772386063, ClinGen allele CA395691471.

ClinVar aggregate classification (germline): Uncertain significance (1 of 4 stars; one submission).

gnomAD v4.1: 1 of 1,613,418 alleles (0.000062%); highest among the groups gnomAD compares: East Asian, 0.0022%; no homozygotes.

Submission:

Labcorp Genetics (formerly Invitae), Labcorp
Classification: Uncertain significance. Last evaluated: 2022-05-19. Review status: criteria provided, single submitter. Criteria: Invitae Variant Classification Sherloc (09022015). Collection method: clinical testing. Allele origin: germline.
Comment: This sequence change replaces valine, which is neutral and non-polar, with leucine, which is neutral and non-polar, at codon 831 of the ITGAM protein (p.Val831Leu). This variant is not present in population databases (gnomAD no frequency). This variant has not been reported in the literature in individuals affected with ITGAM-related conditions. Algorithms developed to predict the effect of missense changes on protein structure and function output the following: SIFT: "Tolerated"; PolyPhen-2: "Benign"; Align-GVGD: "Class C0". The leucine amino acid residue is found in multiple mammalian species, which suggests that this missense change does not adversely affect protein function. In summary, the available evidence is currently insufficient to determine the role of this variant in disease. Therefore, it has been classified as a Variant of Uncertain Significance.